The following is an entry in ClinVar:

NM_033026.6(PCLO):c.8903G>T (p.Gly2968Val)

Gene: PCLO (piccolo presynaptic cytomatrix protein; minus strand). Cytogenetic location: 7q21.11.
Variant type: single nucleotide variant.
Coding change: c.8903G>T on transcript NM_033026.6 (MANE Select); coding-DNA position 8903, G replaced by T.
Protein change: p.Gly2968Val; replaces glycine 2968 with valine.
Molecular consequence: missense variant.
Genome position (GRCh38, 1-based): chr7:82,952,050, C>A on the plus strand (G>T on the coding strand, the complement: PCLO is on the minus strand). VCF-style: chr7-82952050-C-A. GRCh37 (hg19) VCF-style: chr7-82581366-C-A.
Other names: c.8903G>T, p.Gly2968Val (NM_014510.3); short protein forms G2968V.
Identifiers: ClinVar variation 1510794 (VCV001510794.5), dbSNP rs1584205867, ClinGen allele CA367909670.

ClinVar aggregate classification (germline): Uncertain significance (1 of 4 stars; one submission).

Allele frequency attached by ClinVar (database versions not stated): gnomAD exomes below 0.00001; gnomAD 0.00001; TOPMed 0.00002.
gnomAD v4.1: 3 of 1,613,830 alleles (0.00019%); highest among the groups gnomAD compares: African/African-American, 0.0027%; no homozygotes.

Submission:

Labcorp Genetics (formerly Invitae), Labcorp
Classification: Uncertain significance. Last evaluated: 2022-03-22. Review status: criteria provided, single submitter. Criteria: Invitae Variant Classification Sherloc (09022015). Collection method: clinical testing. Allele origin: germline.
Comment: This sequence change replaces glycine, which is neutral and non-polar, with valine, which is neutral and non-polar, at codon 2968 of the PCLO protein (p.Gly2968Val). This variant is not present in population databases (gnomAD no frequency). This variant has not been reported in the literature in individuals affected with PCLO-related conditions. Algorithms developed to predict the effect of missense changes on protein structure and function are either unavailable or do not agree on the potential impact of this missense change (SIFT: "Deleterious"; PolyPhen-2: "Not Available"; Align-GVGD: "Class C0"). In summary, the available evidence is currently insufficient to determine the role of this variant in disease. Therefore, it has been classified as a Variant of Uncertain Significance.